The following is an entry in ClinVar:

Single allele

Gene: TSC2 (TSC complex subunit 2; plus strand). Cytogenetic location: 16p13.3.
Variant type: Deletion.
Identifiers: ClinVar variation 2684165 (VCV002684165.2).

ClinVar aggregate classification (germline): Pathogenic (1 of 4 stars; one submission).

Submission:

Athena Diagnostics
Classification: Pathogenic. Last evaluated: 2024-08-29. Review status: criteria provided, single submitter. Criteria: Athena Diagnostics Criteria. Collection method: clinical testing. Allele origin: unknown.
Comment: A similar variant has been identified in at least one individual with clinical features associated with this gene. This deletion includes the entire coding sequence of the TSC2 gene. Similar variants have not been reported in large, multi-ethnic general populations.

Literature cited by the submitters: PubMed 16114042; PubMed 17287951; PubMed 12136241; PubMed 28685940; PubMed 9382094; PubMed 17185137.